The following is an entry in ClinVar:

ClinVar aggregate classification (germline): Uncertain significance (1 of 4 stars; one submission).

Allele frequency attached by ClinVar (database versions not stated): gnomAD exomes below 0.00001; TOPMed 0.00002.

Submission:

Labcorp Genetics (formerly Invitae), Labcorp
Classification: Uncertain significance. Last evaluated: 2022-07-19. Review status: criteria provided, single submitter. Criteria: Invitae Variant Classification Sherloc (09022015). Collection method: clinical testing. Allele origin: germline.
Comment: This sequence change replaces leucine, which is neutral and non-polar, with phenylalanine, which is neutral and non-polar, at codon 311 of the JAK1 protein (p.Leu311Phe). This variant is present in population databases (no rsID available, gnomAD 0.003%). This variant has not been reported in the literature in individuals affected with JAK1-related conditions. ClinVar contains an entry for this variant (Variation ID: 1464905). Algorithms developed to predict the effect of missense changes on protein structure and function are either unavailable or do not agree on the potential impact of this missense change (SIFT: "Not Available"; PolyPhen-2: "Benign"; Align-GVGD: "Not Available"). In summary, the available evidence is currently insufficient to determine the role of this variant in disease. Therefore, it has been classified as a Variant of Uncertain Significance.

NM_002227.4(JAK1):c.931C>T (p.Leu311Phe)

Gene: JAK1 (Janus kinase 1; minus strand). Cytogenetic location: 1p31.3.
Variant type: single nucleotide variant.
Coding change: c.931C>T on transcript NM_002227.4 (MANE Select); coding-DNA position 931, C replaced by T.
Protein change: p.Leu311Phe; replaces leucine 311 with phenylalanine.
Molecular consequence: missense variant.
Genome position (GRCh38, 1-based): chr1:64,866,925, G>A on the plus strand (C>T on the coding strand, the complement: JAK1 is on the minus strand). VCF-style: chr1-64866925-G-A. GRCh37 (hg19) VCF-style: chr1-65332608-G-A.
Other names: c.931C>T, p.Leu311Phe (NM_001320923.2, NM_001321852.2, NM_001321853.2 and 4 more transcripts); short protein forms L311F.
Identifiers: ClinVar variation 1464905 (VCV001464905.8), dbSNP rs904336241, ClinGen allele CA23918731.